The following is an entry in ClinVar:

ClinVar aggregate classification (germline): Likely benign. Review status: criteria provided, multiple submitters, no conflicts (2 of 4 stars). 4 submissions from 4 submitters: Likely benign (3). 1 of the submissions does not count toward it. Last evaluated 2026-04-10.

Conditions:
PLG-related disorder. Also called: PLG-related condition.

Allele frequency attached by ClinVar (database versions not stated): 1000 Genomes Project 0.00020; 1000 Genomes Project 30x 0.00031.
gnomAD v4.1: 228 of 1,612,358 alleles (0.014%); highest among the groups gnomAD compares: East Asian, 0.13%; 1 homozygote.

Submissions (4):

Women's Health and Genetics/Laboratory Corporation of America, LabCorp
Classification: Likely benign. Last evaluated: 2026-04-10. Review status: criteria provided, single submitter. Criteria: LabCorp Variant Classification Summary - May 2015. Collection method: clinical testing. Allele origin: germline.

Labcorp Genetics (formerly Invitae), Labcorp
Classification: Likely benign. Last evaluated: 2025-12-29. Review status: criteria provided, single submitter. Criteria: Invitae Variant Classification Sherloc (09022015). Collection method: clinical testing. Allele origin: germline.

Blueprint Genetics
Classification: Likely benign. Last evaluated: 2024-05-06. Review status: criteria provided, single submitter. Criteria: ACMG Guidelines, 2015. Collection method: clinical testing. Allele origin: germline.

PreventionGenetics, part of Exact Sciences
Classification: Likely benign for PLG-related condition. Last evaluated: 2019-12-24. Review status: no assertion criteria provided. Collection method: clinical testing. Allele origin: germline. Not counted in ClinVar's aggregate classification.
Comment: This variant is classified as likely benign based on ACMG/AMP sequence variant interpretation guidelines (Richards et al. 2015 PMID: 25741868, with internal and published modifications).

NM_000301.5(PLG):c.1434A>G (p.Glu478=)

Gene: PLG (plasminogen; plus strand). Cytogenetic location: 6q26.
Variant type: single nucleotide variant.
Coding change: c.1434A>G on transcript NM_000301.5 (MANE Select); coding-DNA position 1434, A replaced by G.
Protein change: p.Glu478=; no amino-acid change (glutamic acid 478 retained).
Molecular consequence: synonymous variant.
Genome position (GRCh38, 1-based): chr6:160,731,228, A>G. VCF-style: chr6-160731228-A-G. GRCh37 (hg19) VCF-style: chr6-161152260-A-G.
Identifiers: ClinVar variation 2047058 (VCV002047058.8), dbSNP rs532399913, ClinGen allele CA4087780.
Genomic context (GRCh38, chr6:160,731,228, plus strand): 5'-AGCGAGTGTTGTAGCACCTCCGCCTGTTGTCCTGCTTCCAGATGTAGAGACTCCTTCCGA[A>G]GAAGGTAAGAAATCTGTGGCTGGACATCTACACACTTGGACGCTGGGATGAAAAGCCATG-3'
Protein context (NP_000292.1, residues 468-488): VLLPDVETPS[Glu478=]EDCMFGNGKG